The following is an entry in ClinVar:

NM_000551.4(VHL):c.239G>A (p.Ser80Asn)

Gene: VHL (von Hippel-Lindau tumor suppressor; plus strand). Cytogenetic location: 3p25.3.
Variant type: single nucleotide variant.
Coding change: c.239G>A on transcript NM_000551.4 (MANE Select); coding-DNA position 239, G replaced by A.
Protein change: p.Ser80Asn; replaces serine 80 with asparagine.
Molecular consequence: missense variant.
Genome position (GRCh38, 1-based): chr3:10,142,086, G>A. VCF-style: chr3-10142086-G-A. GRCh37 (hg19) VCF-style: chr3-10183770-G-A.
Other names: c.239G>A (NM_000551.3); c.239G>A, p.Ser80Asn (NM_001354723.2, NM_198156.3); short protein forms S80N.
Identifiers: ClinVar variation 1070179 (VCV001070179.11), dbSNP rs5030805, ClinGen allele CA70046108.
Genomic context (GRCh38, chr3:10,142,086, plus strand): 5'-GGCCCGTGCTGCGCTCGGTGAACTCGCGCGAGCCCTCCCAGGTCATCTTCTGCAATCGCA[G>A]TCCGCGCGTCGTGCTGCCCGTATGGCTCAACTTCGACGGCGAGCCGCAGCCCTACCCAAC-3'
Protein context (NP_000542.1, residues 70-90): EPSQVIFCNR[Ser80Asn]PRVVLPVWLN

ClinVar aggregate classification (germline): Pathogenic/Likely pathogenic. Review status: criteria provided, multiple submitters, no conflicts (2 of 4 stars). 3 submissions from 3 submitters: Pathogenic (1); Likely pathogenic (2). Last evaluated 2026-04-15.

Conditions:
Hereditary cancer-predisposing syndrome. Also called: Hereditary neoplastic syndrome; Neoplastic Syndromes, Hereditary; Tumor predisposition; Hereditary Cancer Syndrome. Identifiers: Orphanet 140162, MedGen C0027672, MeSH D009386, MONDO:0015356.
Von Hippel-Lindau syndrome (VHLS). Also called: Von Hippel-Lindau; von Hippel–Lindau syndrome; VHL syndrome. Identifiers: Orphanet 892, MedGen C0019562, MONDO:0008667, OMIM 193300. Disease mechanism: loss of function.
Chuvash polycythemia. Also called: POLYCYTHEMIA, VHL-DEPENDENT. Identifiers: Orphanet 238557, MedGen C1837915, MONDO:0009892, OMIM 263400.

Submissions (3):

Ambry Genetics
Classification: Likely pathogenic for Hereditary cancer-predisposing syndrome. Last evaluated: 2026-04-15. Review status: criteria provided, single submitter. Criteria: Ambry Variant Classification Scheme 2023. Collection method: clinical testing. Allele origin: germline.
Comment: The p.S80N variant (also known as c.239G>A), located in coding exon 1 of the VHL gene, results from a G to A substitution at nucleotide position 239. The serine at codon 80 is replaced by asparagine, an amino acid with highly similar properties. This variant was reported in individual(s) with features consistent with von Hippel-Lindau syndrome (Glavac D et al. Hum Genet, 1996 Sep;98:271-80; Olschwang S et al. Hum Mutat, 1998;12:424-30; Neumann HP et al. N Engl J Med, 2002 May;346:1459-66). This variant was determined to be functionally deleterious in one saturation genome editing assay (Buckley M et al. Nat Genet, 2024 Jul;56:1446-1455). Of note, this alteration is also known as 452G>A in published literature. This amino acid position is well conserved in available vertebrate species. In addition, the in silico prediction for this alteration is inconclusive. This variant is considered to be rare based on population cohorts in the Genome Aggregation Database (gnomAD). Based on the majority of available evidence to date, this variant is likely to be pathogenic.

Labcorp Genetics (formerly Invitae), Labcorp
Classification: Pathogenic for Von Hippel-Lindau syndrome; Chuvash polycythemia. Last evaluated: 2026-01-04. Review status: criteria provided, single submitter. Criteria: Invitae Variant Classification Sherloc (09022015). Collection method: clinical testing. Allele origin: germline.
Comment: This sequence change replaces serine, which is neutral and polar, with asparagine, which is neutral and polar, at codon 80 of the VHL protein (p.Ser80Asn). This variant is not present in population databases (gnomAD no frequency). This missense change has been observed in individuals with von Hippel-Lindau syndrome (PMID: 8707293, 9829912, 10567493, 15300849, 17661816, 25720320). It has also been observed to segregate with disease in related individuals. ClinVar contains an entry for this variant (Variation ID: 1070179). Invitae Evidence Modeling of protein sequence and biophysical properties (such as structural, functional, and spatial information, amino acid conservation, physicochemical variation, residue mobility, and thermodynamic stability) indicates that this missense variant is expected to disrupt VHL protein function with a positive predictive value of 95%. This variant disrupts the p.Ser80 amino acid residue in VHL. Other variant(s) that disrupt this residue have been determined to be pathogenic (PMID: 7728151, 12500216, 19763184, 27527340, 29871882). This suggests that this residue is clinically significant, and that variants that disrupt this residue are likely to be disease-causing. For these reasons, this variant has been classified as Pathogenic.

GeneDx
Classification: Likely pathogenic. Last evaluated: 2023-12-16. Review status: criteria provided, single submitter. Criteria: GeneDx Variant Classification Process June 2021. Collection method: clinical testing. Allele origin: germline. Affected: yes.
Comment: Not observed in large population cohorts (gnomAD); In silico analysis supports that this missense variant does not alter protein structure/function; This variant is associated with the following publications: (PMID: 8956040, 12000816, 18836774, 11409863, 8707293, 9829912)

Literature cited by the submitters: PubMed 12000816 (cited by Ambry Genetics); PubMed 38969834 (cited by Ambry Genetics); PubMed 8707293 (cited by Ambry Genetics and Labcorp Genetics (formerly Invitae), Labcorp); PubMed 9829912 (cited by Ambry Genetics and Labcorp Genetics (formerly Invitae), Labcorp); PubMed 10567493 (cited by Labcorp Genetics (formerly Invitae), Labcorp); PubMed 15300849 (cited by Labcorp Genetics (formerly Invitae), Labcorp); PubMed 17661816 (cited by Labcorp Genetics (formerly Invitae), Labcorp); PubMed 25720320 (cited by Labcorp Genetics (formerly Invitae), Labcorp); PubMed 7728151 (cited by Labcorp Genetics (formerly Invitae), Labcorp); PubMed 12500216 (cited by Labcorp Genetics (formerly Invitae), Labcorp); PubMed 19763184 (cited by Labcorp Genetics (formerly Invitae), Labcorp); PubMed 27527340 (cited by Labcorp Genetics (formerly Invitae), Labcorp); PubMed 29871882 (cited by Labcorp Genetics (formerly Invitae), Labcorp).